The following is an entry in ClinVar:

NM_000545.8(HNF1A):c.1161C>A (p.His387Gln)

Gene: HNF1A (HNF1 homeobox A; plus strand). Cytogenetic location: 12q24.31.
Variant type: single nucleotide variant.
Coding change: c.1161C>A on transcript NM_000545.8 (MANE Select); coding-DNA position 1161, C replaced by A.
Protein change: p.His387Gln; replaces histidine 387 with glutamine.
Molecular consequence: missense variant.
Genome position (GRCh38, 1-based): chr12:120,996,594, C>A. VCF-style: chr12-120996594-C-A. GRCh37 (hg19) VCF-style: chr12-121434397-C-A.
Other names: c.1161C>A, p.His387Gln (NM_001306179.2, NM_001406915.1); short protein forms H387Q.
Identifiers: ClinVar variation 4749944 (VCV004749944.1).

ClinVar aggregate classification (germline): Uncertain significance (1 of 4 stars; one submission).

Submission:

Labcorp Genetics (formerly Invitae), Labcorp
Classification: Uncertain significance. Last evaluated: 2025-04-27. Review status: criteria provided, single submitter. Criteria: Invitae Variant Classification Sherloc (09022015). Collection method: clinical testing. Allele origin: germline.
Comment: This sequence change replaces histidine, which is basic and polar, with glutamine, which is neutral and polar, at codon 387 of the HNF1A protein (p.His387Gln). This variant is not present in population databases (gnomAD no frequency). This variant has not been reported in the literature in individuals affected with HNF1A-related conditions. Invitae Evidence Modeling of protein sequence and biophysical properties (such as structural, functional, and spatial information, amino acid conservation, physicochemical variation, residue mobility, and thermodynamic stability) indicates that this missense variant is not expected to disrupt HNF1A protein function with a negative predictive value of 80%. In summary, the available evidence is currently insufficient to determine the role of this variant in disease. Therefore, it has been classified as a Variant of Uncertain Significance.